The following is an entry in ClinVar:

NM_022489.4(INF2):c.3591G>A (p.Ala1197=)

Gene: INF2 (inverted formin 2; plus strand). Cytogenetic location: 14q32.33.
Variant type: single nucleotide variant.
Coding change: c.3591G>A on transcript NM_022489.4 (MANE Select); coding-DNA position 3591, G replaced by A.
Protein change: p.Ala1197=; no amino-acid change (alanine 1197 retained).
Molecular consequence: synonymous variant.
Genome position (GRCh38, 1-based): chr14:104,714,753, G>A. VCF-style: chr14-104714753-G-A. GRCh37 (hg19) VCF-style: chr14-105181090-G-A.
Other names: c.3591G>A, p.Ala1197= (NM_001031714.4).
Identifiers: ClinVar variation 472855 (VCV000472855.17), dbSNP rs765090867, ClinGen allele CA7373313.

ClinVar aggregate classification (germline): Likely benign. Review status: criteria provided, multiple submitters, no conflicts (2 of 4 stars). 5 submissions from 5 submitters: Likely benign (4). 1 of the submissions does not count toward it. Last evaluated 2024-05-31.

Conditions:
INF2-related disorder. Also called: INF2-related condition.
Inborn genetic diseases. Identifiers: MedGen C0950123, MeSH D030342.
Focal segmental glomerulosclerosis 5 (FSGS5). Identifiers: Orphanet 656, MedGen C2750475, MONDO:0013191, OMIM 613237.
Charcot-Marie-Tooth disease dominant intermediate E. Also called: CHARCOT-MARIE-TOOTH NEUROPATHY WITH FOCAL SEGMENTAL GLOMERULONEPHRITIS. Identifiers: Orphanet 93114, MedGen C4302667, MONDO:0013758, OMIM 614455.

Allele frequency attached by ClinVar (database versions not stated): TOPMed 0.00003; gnomAD 0.00006; ExAC 0.00007.
gnomAD v4.1: 62 of 1,600,956 alleles (0.0039%); highest among the groups gnomAD compares: Middle Eastern, 0.033%; no homozygotes.

Submissions (5):

Labcorp Genetics (formerly Invitae), Labcorp
Classification: Likely benign for Charcot-Marie-Tooth disease dominant intermediate E; Focal segmental glomerulosclerosis 5. Last evaluated: 2024-05-31. Review status: criteria provided, single submitter. Criteria: Invitae Variant Classification Sherloc (09022015). Collection method: clinical testing. Allele origin: germline.

Blueprint Genetics
Classification: Likely benign. Last evaluated: 2022-05-11. Review status: criteria provided, single submitter. Criteria: ACMG Guidelines, 2015. Collection method: clinical testing. Allele origin: germline.

Fulgent Genetics
Classification: Likely benign for Focal segmental glomerulosclerosis 5; Charcot-Marie-Tooth disease dominant intermediate E. Last evaluated: 2021-09-27. Review status: criteria provided, single submitter. Criteria: ACMG Guidelines, 2015. Collection method: clinical testing. Allele origin: unknown.

Ambry Genetics
Classification: Likely benign for Inborn genetic diseases. Last evaluated: 2019-07-11. Review status: criteria provided, single submitter. Criteria: Ambry Variant Classification Scheme 2023. Collection method: clinical testing. Allele origin: germline.

PreventionGenetics, part of Exact Sciences
Classification: Likely benign for INF2-related condition. Last evaluated: 2022-08-16. Review status: no assertion criteria provided. Collection method: clinical testing. Allele origin: germline. Not counted in ClinVar's aggregate classification.
Comment: This variant is classified as likely benign based on ACMG/AMP sequence variant interpretation guidelines (Richards et al. 2015 PMID: 25741868, with internal and published modifications).